The following is an entry in ClinVar:

NM_005251.3(FOXC2):c.445G>C (p.Asp149His)

Gene: FOXC2 (forkhead box C2; plus strand). Cytogenetic location: 16q24.1.
Variant type: single nucleotide variant.
Coding change: c.445G>C on transcript NM_005251.3 (MANE Select); coding-DNA position 445, G replaced by C.
Protein change: p.Asp149His; replaces aspartic acid 149 with histidine.
Molecular consequence: missense variant.
Genome position (GRCh38, 1-based): chr16:86,567,780, G>C. VCF-style: chr16-86567780-G-C. GRCh37 (hg19) VCF-style: chr16-86601386-G-C.
Other names: short protein forms D149H.
Identifiers: ClinVar variation 2873921 (VCV002873921.3), dbSNP rs766826259, ClinGen allele CA8218328.
Genomic context (GRCh38, chr16:86,567,780, plus strand): 5'-TGCTTCGTCAAGGTGCCCCGCGACGACAAGAAGCCCGGCAAGGGCAGTTACTGGACCCTG[G>C]ACCCGGACTCCTACAACATGTTCGAGAACGGCAGCTTCCTGCGGCGCCGGCGGCGCTTCA-3'
Protein context (NP_005242.1, residues 139-159): KPGKGSYWTL[Asp149His]PDSYNMFENG

ClinVar aggregate classification (germline): Uncertain significance (1 of 4 stars; one submission).

Allele frequency attached by ClinVar (database versions not stated): ExAC 0.00002; TOPMed 0.00006; gnomAD exomes 0.00002.
gnomAD v4.1: 11 of 1,614,154 alleles (0.00068%); highest among the groups gnomAD compares: Admixed American, 0.018%; no homozygotes.

Submission:

Labcorp Genetics (formerly Invitae), Labcorp
Classification: Uncertain significance. Last evaluated: 2025-03-23. Review status: criteria provided, single submitter. Criteria: Invitae Variant Classification Sherloc (09022015). Collection method: clinical testing. Allele origin: germline.
Comment: This sequence change replaces aspartic acid, which is acidic and polar, with histidine, which is basic and polar, at codon 149 of the FOXC2 protein (p.Asp149His). This variant is present in population databases (rs766826259, gnomAD 0.02%). This variant has not been reported in the literature in individuals affected with FOXC2-related conditions. ClinVar contains an entry for this variant (Variation ID: 2873921). An algorithm developed to predict the effect of missense changes on protein structure and function (PolyPhen-2) suggests that this variant is likely to be disruptive. In summary, the available evidence is currently insufficient to determine the role of this variant in disease. Therefore, it has been classified as a Variant of Uncertain Significance.